The following is an entry in ClinVar:

ClinVar aggregate classification (germline): Uncertain significance (3 of 4 stars; one submission).

Conditions:
Monogenic diabetes. Identifiers: Orphanet 183625, MedGen C3888631, MONDO:0015967.

Submission:

ClinGen Monogenic Diabetes Variant Curation Expert Panel
Classification: Uncertain significance for Monogenic diabetes. Last evaluated: 2025-01-03. Review status: reviewed by expert panel. Criteria: ClinGen Diabetes ACMG Specifications HNF4A V2.0.0. Collection method: curation. Allele origin: germline. Inheritance: Autosomal dominant inheritance.
Comment: The c.530T>A variant in the hepatocyte nuclear factor 4-alpha gene, HNF4A, causes an amino acid change of valine to aspartic acid at codon 177 (p.(Val177Asp)) of NM_175914.5. This variant is absent from gnomAD v2.1.1 (PM2_Supporting). This variant is predicted to be deleterious by computational evidence, with a REVEL score of 0.978, which is greater than the MDEP VCEP threshold of 0.70 (PP3). This variant has been observed in two families with diabetes in cis with c.553G>A p.Ala185Thr, which is classified as likely pathogenic by the ClinGen MDEP (BP2). The c.530T>A variant has not been observed independently of the c.553G>A variant. While this variant was observed in an individual with a clinical history highly specific for HNF1A-monogenic diabetes (MPC>50% and negative HNF4A testing), this individual also harbored the likely pathogenic variant c.553G>A p.Ala185Thr; therefore PP4 will not be applied. This variant segregated with diabetes with 5 informative meioses in 2 families; however the variant and diabetes cosegregated with c.553G>A p.Ala185Thr, which has been classifed as likely pathogenic by the MDEP, in all instances; therefore PP1 will not be applied (internal lab contributors). In summary, c.530T>A meets the criteria to be classified as a variant of uncertain significance for monogenic diabetes. ACMG/AMP criteria applied, as specified by the ClinGen MDEP VCEP (specification version 2.0.0, approved 10/11/2023): BP2, PP3, PM2_Supporting.

NM_175914.5(HNF4A):c.530T>A (p.Val177Asp)

Gene: HNF4A (hepatocyte nuclear factor 4 alpha; plus strand). Cytogenetic location: 20q13.12.
Variant type: single nucleotide variant.
Coding change: c.530T>A on transcript NM_175914.5 (MANE Select); coding-DNA position 530, T replaced by A.
Protein change: p.Val177Asp; replaces valine 177 with aspartic acid.
Molecular consequence: missense variant.
Genome position (GRCh38, 1-based): chr20:44,414,610, T>A. VCF-style: chr20-44414610-T-A. GRCh37 (hg19) VCF-style: chr20-43043250-T-A.
Other names: NM_175914.5:c.530T>A; c.596T>A, p.Val199Asp (NM_000457.6, NM_178849.3, NM_178850.3); c.530T>A, p.Val177Asp (NM_001030003.3, NM_001030004.3); c.575T>A, p.Val192Asp (NM_001258355.2); c.521T>A, p.Val174Asp (NM_001287182.2, NM_001287183.2, NM_001287184.2); short protein forms V174D, V199D, V177D, V192D.
Identifiers: ClinVar variation 3393511 (VCV003393511.1).
Genomic context (GRCh38, chr20:44,414,610, plus strand): 5'-AGAAGATTGCCAGCATCGCAGATGTGTGTGAGTCCATGAAGGAGCAGCTGCTGGTTCTCG[T>A]TGAGTGGGCCAAGTACATCCCAGCTTTCTGCGAGCTCCCCCTGGACGACCAGGTGAGGAT-3'
Protein context (NP_787110.2, residues 167-187): ESMKEQLLVL[Val177Asp]EWAKYIPAFC